The following is an entry in ClinVar:

NM_006231.4(POLE):c.5662G>C (p.Glu1888Gln)

Gene: POLE (DNA polymerase epsilon, catalytic subunit; minus strand). Cytogenetic location: 12q24.33.
Variant type: single nucleotide variant.
Coding change: c.5662G>C on transcript NM_006231.4 (MANE Select); coding-DNA position 5662, G replaced by C.
Protein change: p.Glu1888Gln; replaces glutamic acid 1888 with glutamine.
Molecular consequence: missense variant.
Genome position (GRCh38, 1-based): chr12:132,638,030, C>G on the plus strand (G>C on the coding strand, the complement: POLE is on the minus strand). VCF-style: chr12-132638030-C-G. GRCh37 (hg19) VCF-style: chr12-133214616-C-G.
Other names: short protein forms E1888Q.
Identifiers: ClinVar variation 2911943 (VCV002911943.3), dbSNP rs368363850, ClinGen allele CA387373943.

ClinVar aggregate classification (germline): Uncertain significance (1 of 4 stars; one submission).

Submission:

Labcorp Genetics (formerly Invitae), Labcorp
Classification: Uncertain significance. Last evaluated: 2023-02-14. Review status: criteria provided, single submitter. Criteria: Invitae Variant Classification Sherloc (09022015). Collection method: clinical testing. Allele origin: germline.
Comment: In summary, the available evidence is currently insufficient to determine the role of this variant in disease. Therefore, it has been classified as a Variant of Uncertain Significance. Advanced modeling of protein sequence and biophysical properties (such as structural, functional, and spatial information, amino acid conservation, physicochemical variation, residue mobility, and thermodynamic stability) performed at Invitae indicates that this missense variant is not expected to disrupt POLE protein function. This variant has not been reported in the literature in individuals affected with POLE-related conditions. This variant is not present in population databases (gnomAD no frequency). This sequence change replaces glutamic acid, which is acidic and polar, with glutamine, which is neutral and polar, at codon 1888 of the POLE protein (p.Glu1888Gln).